The following is an entry in ClinVar:

ClinVar aggregate classification (germline): Uncertain significance (1 of 4 stars; one submission).

gnomAD v4.1: 1 of 1,607,432 alleles (0.000062%); highest among the groups gnomAD compares: Non-Finnish European, 0.000085%; no homozygotes.

Submission:

Labcorp Genetics (formerly Invitae), Labcorp
Classification: Uncertain significance. Last evaluated: 2024-12-31. Review status: criteria provided, single submitter. Criteria: Invitae Variant Classification Sherloc (09022015). Collection method: clinical testing. Allele origin: germline.
Comment: This sequence change replaces aspartic acid, which is acidic and polar, with asparagine, which is neutral and polar, at codon 200 of the HNRNPK protein (p.Asp200Asn). This variant is not present in population databases (gnomAD no frequency). This variant has not been reported in the literature in individuals affected with HNRNPK-related conditions. Invitae Evidence Modeling of protein sequence and biophysical properties (such as structural, functional, and spatial information, amino acid conservation, physicochemical variation, residue mobility, and thermodynamic stability) indicates that this missense variant is not expected to disrupt HNRNPK protein function with a negative predictive value of 80%. In summary, the available evidence is currently insufficient to determine the role of this variant in disease. Therefore, it has been classified as a Variant of Uncertain Significance.

NM_031263.4(HNRNPK):c.598G>A (p.Asp200Asn)

Genes: HNRNPK (heterogeneous nuclear ribonucleoprotein K; minus strand), HNRNPK-AS1 (HNRNPK antisense RNA 1; plus strand). Cytogenetic location: 9q21.32.
Variant type: single nucleotide variant.
Coding change: c.598G>A on transcript NM_031263.4 (MANE Select); coding-DNA position 598, G replaced by A.
Protein change: p.Asp200Asn; replaces aspartic acid 200 with asparagine.
Molecular consequence: missense variant.
Genome position (GRCh38, 1-based): chr9:83,972,891, C>T on the plus strand (G>A on the coding strand, the complement: HNRNPK is on the minus strand). VCF-style: chr9-83972891-C-T. GRCh37 (hg19) VCF-style: chr9-86587806-C-T.
Other names: c.526G>A, p.Asp176Asn (NM_001318186.2, NM_001318187.2); c.598G>A, p.Asp200Asn (NM_001318188.2, NM_002140.5, NM_031262.4); short protein forms D200N, D176N.
Identifiers: ClinVar variation 3677232 (VCV003677232.2).